The following is an entry in ClinVar:

ClinVar aggregate classification (germline): Uncertain significance. Review status: criteria provided, multiple submitters, no conflicts (2 of 4 stars). 4 submissions from 4 submitters: Uncertain significance (4). Last evaluated 2023-04-11.

Conditions:
Inborn genetic diseases. Identifiers: MedGen C0950123, MeSH D030342.
Autosomal recessive limb-girdle muscular dystrophy type 2Y (MRRSDC). Also called: Muscular dystrophy, limb-girdle, type 2y; Muscular dystrophy, autosomal recessive, with rigid spine and distal joint contractures. Identifiers: Orphanet 424261, MedGen C4511482, MONDO:0014900, OMIM 617072.

Allele frequency attached by ClinVar (database versions not stated): gnomAD exomes 0.00001; TOPMed 0.00001; ExAC 0.00002; gnomAD 0.00004 and 0.00005; ESP Exome Variant Server 0.00008.
gnomAD v4.1: 30 of 1,614,082 alleles (0.0019%); highest among the groups gnomAD compares: Non-Finnish European, 0.0023%; no homozygotes.

Submissions (4):

Genome-Nilou Lab
Classification: Uncertain significance for Autosomal recessive limb-girdle muscular dystrophy type 2Y. Last evaluated: 2023-04-11. Review status: criteria provided, single submitter. Criteria: ACMG Guidelines, 2015. Collection method: clinical testing. Allele origin: germline. Affected: no.

Ambry Genetics
Classification: Uncertain significance for Inborn genetic diseases. Last evaluated: 2023-03-01. Review status: criteria provided, single submitter. Criteria: Ambry Variant Classification Scheme 2023. Collection method: clinical testing. Allele origin: germline.

Labcorp Genetics (formerly Invitae), Labcorp
Classification: Uncertain significance for Autosomal recessive limb-girdle muscular dystrophy type 2Y. Last evaluated: 2022-02-14. Review status: criteria provided, single submitter. Criteria: Invitae Variant Classification Sherloc (09022015). Collection method: clinical testing. Allele origin: germline.
Comment: This sequence change replaces valine, which is neutral and non-polar, with methionine, which is neutral and non-polar, at codon 81 of the TOR1AIP1 protein (p.Val81Met). This variant is present in population databases (rs376847458, gnomAD 0.003%). This variant has not been reported in the literature in individuals affected with TOR1AIP1-related conditions. ClinVar contains an entry for this variant (Variation ID: 1302076). Algorithms developed to predict the effect of missense changes on protein structure and function output the following: SIFT: "Tolerated"; PolyPhen-2: "Benign"; Align-GVGD: "Class C0". The methionine amino acid residue is found in multiple mammalian species, which suggests that this missense change does not adversely affect protein function. In summary, the available evidence is currently insufficient to determine the role of this variant in disease. Therefore, it has been classified as a Variant of Uncertain Significance.

GeneDx
Classification: Uncertain significance. Last evaluated: 2019-06-04. Review status: criteria provided, single submitter. Criteria: GeneDx Variant Classification Process June 2021. Collection method: clinical testing. Allele origin: germline. Affected: yes.

NM_015602.4(TOR1AIP1):c.241G>A (p.Val81Met)

Genes: TOR1AIP1 (torsin 1A interacting protein 1; plus strand), LOC112577517 (Sharpr-MPRA regulatory region 13766; plus strand). Cytogenetic location: 1q25.2.
Variant type: single nucleotide variant.
Coding change: c.241G>A on transcript NM_015602.4 (MANE Select); coding-DNA position 241, G replaced by A.
Protein change: p.Val81Met; replaces valine 81 with methionine.
Molecular consequence: missense variant.
Genome position (GRCh38, 1-based): chr1:179,882,743, G>A. VCF-style: chr1-179882743-G-A. GRCh37 (hg19) VCF-style: chr1-179851878-G-A.
Other names: c.241G>A, p.Val81Met (NM_001267578.2); c.241G>A (NM_015602.2); short protein forms V81M.
Identifiers: ClinVar variation 1302076 (VCV001302076.9), dbSNP rs376847458, ClinGen allele CA1268692.